The following is an entry in ClinVar:

ClinVar aggregate classification (germline): Uncertain significance (1 of 4 stars; one submission).

Conditions:
X-linked myopathy with postural muscle atrophy. Also called: FHL1-Related Emery-Dreifuss Muscular Dystrophy, X-Linked. Identifiers: Orphanet 178461, MedGen C2678055, MONDO:0010401, OMIM 300696.

Submission:

Labcorp Genetics (formerly Invitae), Labcorp
Classification: Uncertain significance for X-linked myopathy with postural muscle atrophy. Last evaluated: 2024-02-07. Review status: criteria provided, single submitter. Criteria: Invitae Variant Classification Sherloc (09022015). Collection method: clinical testing. Allele origin: germline.
Comment: This sequence change replaces cysteine, which is neutral and slightly polar, with phenylalanine, which is neutral and non-polar, at codon 249 of the FHL1 protein (p.Cys249Phe). This variant is not present in population databases (gnomAD no frequency). This variant has not been reported in the literature in individuals affected with FHL1-related conditions. An algorithm developed to predict the effect of missense changes on protein structure and function (PolyPhen-2) suggests that this variant is likely to be disruptive. In summary, the available evidence is currently insufficient to determine the role of this variant in disease. Therefore, it has been classified as a Variant of Uncertain Significance.

NM_001159699.2(FHL1):c.794G>T (p.Cys265Phe)

Gene: FHL1 (four and a half LIM domains 1; plus strand). Cytogenetic location: Xq26.3.
Variant type: single nucleotide variant.
Coding change: c.794G>T on transcript NM_001159699.2 (MANE Select); coding-DNA position 794, G replaced by T.
Protein change: p.Cys265Phe; replaces cysteine 265 with phenylalanine.
Molecular consequence: missense variant. On other transcripts: non-coding transcript variant (1).
Genome position (GRCh38, 1-based): chrX:136,209,928, G>T. VCF-style: chrX-136209928-G-T. GRCh37 (hg19) VCF-style: chrX-135292087-G-T.
Other names: c.746G>T, p.Cys249Phe (NM_001159700.2, NM_001159704.1, NM_001167819.1 and 4 more transcripts); c.833G>T, p.Cys278Phe (NM_001159701.2); c.946G>T, p.Ala316Ser (NM_001159702.3, NM_001369326.1, NM_001369327.2 and 1 more transcripts); c.559G>T, p.Ala187Ser (NM_001159703.2); c.607G>T, p.Ala203Ser (NM_001330659.2); short protein forms A187S, A316S, C249F, A203S, C278F, C265F.
Identifiers: ClinVar variation 3673152 (VCV003673152.2).
Genomic context (GRCh38, chrX:136,209,928, plus strand): 5'-CAGGGTTTGGTAAAGGCTCCAGTGTGGTGGCCTATGAAGGACAATCCTGGCACGACTACT[G>T]CTTCCACTGCAAAAAATGCTCCGTGAATCTGGCCAACAAGCGCTTTGTTTTCCACCAGGA-3'
Protein context (NP_001153171.1, residues 255-275): AYEGQSWHDY[Cys265Phe]FHCKKCSVNL